The following is an entry in ClinVar:

NM_004187.5(KDM5C):c.4312C>G (p.Leu1438Val)

Gene: KDM5C (lysine demethylase 5C; minus strand). Cytogenetic location: Xp11.22.
Variant type: single nucleotide variant.
Coding change: c.4312C>G on transcript NM_004187.5 (MANE Select); coding-DNA position 4312, C replaced by G.
Protein change: p.Leu1438Val; replaces leucine 1438 with valine.
Molecular consequence: missense variant. On other transcripts: non-coding transcript variant (3), intron variant (1).
Genome position (GRCh38, 1-based): chrX:53,193,442, G>C on the plus strand (C>G on the coding strand, the complement: KDM5C is on the minus strand). VCF-style: chrX-53193442-G-C. GRCh37 (hg19) VCF-style: chrX-53222624-G-C.
Other names: c.4309C>G, p.Leu1437Val (NM_001282622.3, NM_001353979.2); c.4303C>G, p.Leu1435Val (NM_001353978.3, NM_001353981.2, NM_001353984.2); c.4300C>G, p.Leu1434Val (NM_001353982.2); c.4046+56C>G (NM_001146702.2); short protein forms L1435V, L1437V, L1434V, L1438V.
Identifiers: ClinVar variation 1739641 (VCV001739641.6), dbSNP rs782116024, ClinGen allele CA413105005.

ClinVar aggregate classification (germline): Uncertain significance. Review status: criteria provided, multiple submitters, no conflicts (2 of 4 stars). 2 submissions from 2 submitters: Uncertain significance (2). Last evaluated 2022-04-28.

Conditions:
Inborn genetic diseases. Identifiers: MedGen C0950123, MeSH D030342.
Spastic paraplegia. Identifiers: MedGen C0037772, HP:0001258.

Allele frequency attached by ClinVar (database versions not stated): gnomAD exomes below 0.00001.
gnomAD v4.1: 3 of 1,211,547 alleles (0.00025%); highest among the groups gnomAD compares: Non-Finnish European, 0.00022%; no homozygotes.

Submissions (2):

Labcorp Genetics (formerly Invitae), Labcorp
Classification: Uncertain significance for Spastic paraplegia. Last evaluated: 2022-04-28. Review status: criteria provided, single submitter. Criteria: Invitae Variant Classification Sherloc (09022015). Collection method: clinical testing. Allele origin: germline.
Comment: Advanced modeling of protein sequence and biophysical properties (such as structural, functional, and spatial information, amino acid conservation, physicochemical variation, residue mobility, and thermodynamic stability) performed at Invitae indicates that this missense variant is not expected to disrupt KDM5C protein function. In summary, the available evidence is currently insufficient to determine the role of this variant in disease. Therefore, it has been classified as a Variant of Uncertain Significance. This sequence change replaces leucine, which is neutral and non-polar, with valine, which is neutral and non-polar, at codon 1438 of the KDM5C protein (p.Leu1438Val). This variant is not present in population databases (gnomAD no frequency). This variant has not been reported in the literature in individuals affected with KDM5C-related conditions.

Ambry Genetics
Classification: Uncertain significance for Inborn genetic diseases. Last evaluated: 2019-08-28. Review status: criteria provided, single submitter. Criteria: Ambry Variant Classification Scheme 2023. Collection method: clinical testing. Allele origin: germline.
Comment: The p.L1438V variant (also known as c.4312C>G), located in coding exon 25 of the KDM5C gene, results from a C to G substitution at nucleotide position 4312. The leucine at codon 1438 is replaced by valine, an amino acid with highly similar properties. This amino acid position is not well conserved in available vertebrate species. In addition, this alteration is predicted to be tolerated by in silico analysis. Since supporting evidence is limited at this time, the clinical significance of this alteration remains unclear.